The following is an entry in ClinVar:

ClinVar aggregate classification (germline): Uncertain significance (1 of 4 stars; one submission).

gnomAD v4.1: 1 of 1,601,886 alleles (0.000062%); no homozygotes.

Submission:

GeneDx
Classification: Uncertain significance. Last evaluated: 2025-04-01. Review status: criteria provided, single submitter. Criteria: GeneDx Variant Classification Process June 2021. Collection method: clinical testing. Allele origin: germline. Affected: yes.
Comment: Has not been previously published as pathogenic or benign to our knowledge; Not observed at significant frequency in large population cohorts (gnomAD); In silico analysis supports that this missense variant has a deleterious effect on protein structure/function; This variant is associated with the following publications: (PMID: 19006240, 18767143)

NM_001999.4(FBN2):c.526G>A (p.Gly176Arg)

Gene: FBN2 (fibrillin 2; minus strand). Cytogenetic location: 5q23.3.
Variant type: single nucleotide variant.
Coding change: c.526G>A on transcript NM_001999.4 (MANE Select); coding-DNA position 526, G replaced by A.
Protein change: p.Gly176Arg; replaces glycine 176 with arginine.
Molecular consequence: missense variant.
Genome position (GRCh38, 1-based): chr5:128,527,878, C>T on the plus strand (G>A on the coding strand, the complement: FBN2 is on the minus strand). VCF-style: chr5-128527878-C-T. GRCh37 (hg19) VCF-style: chr5-127863571-C-T.
Other names: short protein forms G176R.
Identifiers: ClinVar variation 4278892 (VCV004278892.1).